The following is an entry in ClinVar:

ClinVar aggregate classification (germline): Pathogenic (1 of 4 stars; one submission).

Conditions:
Hereditary spastic paraplegia 15 (SPG15). Also called: SPASTIC PARAPLEGIA 15, AUTOSOMAL RECESSIVE; KJELLIN SYNDROME; SPASTIC PARAPLEGIA AND RETINAL DEGENERATION. Identifiers: Orphanet 100996, MedGen C1849128, MONDO:0010044, OMIM 270700.

Submission:

Myriad Genetics, Inc.
Classification: Pathogenic for Hereditary spastic paraplegia 15. Last evaluated: 2025-06-24. Review status: criteria provided, single submitter. Criteria: Myriad Autosomal Dominant, Autosomal Recessive and X-Linked Classification Criteria (2023). Collection method: clinical testing. Allele origin: unknown.
Comment: NM_015346.3(ZFYVE26):c.1737_1738ins10(S580Pfs*12) is expected to be pathogenic in the context of spastic paraplegia type 15. This variant is predicted to lead to an abnormal or absent protein product due to the creation of a premature termination codon in ZFYVE26, a gene where loss-of-function variants are known to be pathogenic. Please note: this variant was assessed in the context of healthy population screening.

NM_015346.4(ZFYVE26):c.1737_1738insCCATTGCTTC (p.Ser580fs)

Gene: ZFYVE26 (zinc finger FYVE-type containing 26; minus strand). Cytogenetic location: 14q24.1.
Variant type: Insertion.
Coding change: c.1737_1738insCCATTGCTTC on transcript NM_015346.4 (MANE Select); coding-DNA positions 1737 to 1738, CCATTGCTTC inserted.
Protein change: p.Ser580fs; shifts the reading frame from serine 580.
Molecular consequence: frameshift variant.
Genome position: GRCh38 VCF-style: chr14-67798524-A-AGAAGCAATGG. GRCh37 (hg19) VCF-style: chr14-68265241-A-AGAAGCAATGG.
Other names: short protein forms S580fs.
Identifiers: ClinVar variation 5014638 (VCV005014638.1).